The following is an entry in ClinVar:

ClinVar aggregate classification (germline): Uncertain significance. Review status: criteria provided, multiple submitters, no conflicts (2 of 4 stars). 2 submissions from 2 submitters: Uncertain significance (2). Last evaluated 2023-11-01.

Conditions:
MAGT1-related disorder. Also called: MAGT1-related condition.
X-linked immunodeficiency with magnesium defect, Epstein-Barr virus infection and neoplasia. Identifiers: Orphanet 317476, MedGen C3275445, MONDO:0010455, OMIM 300853.

Allele frequency attached by ClinVar (database versions not stated): gnomAD 0.00002; ExAC 0.00005.
gnomAD v4.1: 6 of 1,171,428 alleles (0.00051%); highest among the groups gnomAD compares: Non-Finnish European, 0.00069%; no homozygotes.

Submissions (2):

Labcorp Genetics (formerly Invitae), Labcorp
Classification: Uncertain significance for X-linked immunodeficiency with magnesium defect, Epstein-Barr virus infection and neoplasia. Last evaluated: 2023-11-01. Review status: criteria provided, single submitter. Criteria: Invitae Variant Classification Sherloc (09022015). Collection method: clinical testing. Allele origin: germline.
Comment: This sequence change replaces glycine, which is neutral and non-polar, with aspartic acid, which is acidic and polar, at codon 4 of the MAGT1 protein (p.Gly4Asp). This variant is present in population databases (rs782013082, gnomAD 0.004%). This variant has not been reported in the literature in individuals affected with MAGT1-related conditions. ClinVar contains an entry for this variant (Variation ID: 1925638). Algorithms developed to predict the effect of missense changes on protein structure and function output the following: SIFT: "Not Available"; PolyPhen-2: "Benign"; Align-GVGD: "Not Available". The aspartic acid amino acid residue is found in multiple mammalian species, which suggests that this missense change does not adversely affect protein function. In summary, the available evidence is currently insufficient to determine the role of this variant in disease. Therefore, it has been classified as a Variant of Uncertain Significance.

PreventionGenetics, part of Exact Sciences
Classification: Uncertain significance for MAGT1-related condition. Last evaluated: 2022-09-23. Review status: criteria provided, single submitter. Criteria: ACMG Guidelines, 2015. Collection method: clinical testing. Allele origin: germline.
Comment: The MAGT1 c.11G>A variant is predicted to result in the amino acid substitution p.Gly4Asp. To our knowledge, this variant has not been reported in the literature. This variant is reported in 0.0042% of alleles in individuals of European (Non-Finnish) descent in gnomAD. At this time, the clinical significance of this variant is uncertain due to the absence of conclusive functional and genetic evidence.

NM_032121.5(MAGT1):c.11G>A (p.Gly4Asp)

Gene: MAGT1 (magnesium transporter 1; minus strand). Cytogenetic location: Xq21.1.
Variant type: single nucleotide variant.
Coding change: c.11G>A on transcript NM_032121.5; coding-DNA position 11, G replaced by A.
Protein change: p.Gly4Asp; replaces glycine 4 with aspartic acid.
Molecular consequence: missense variant.
Genome position (GRCh38, 1-based): chrX:77,895,496, C>T on the plus strand (G>A on the coding strand, the complement: MAGT1 is on the minus strand). VCF-style: chrX-77895496-C-T. GRCh37 (hg19) VCF-style: chrX-77150993-C-T.
Other names: short protein forms G4D.
Identifiers: ClinVar variation 1925638 (VCV001925638.5), dbSNP rs782013082, ClinGen allele CA10458638.